The following is an entry in ClinVar:

ClinVar aggregate classification (germline): Uncertain significance (1 of 4 stars; one submission).

Conditions:
Primary familial hypertrophic cardiomyopathy (HCM). Identifiers: Orphanet 99739, MedGen C0949658, MeSH D024741, MONDO:0024573. Inheritance: Various modes of inheritance.
Dilated cardiomyopathy 1AA (CMD1AA). Also called: CARDIOMYOPATHY, DILATED, 1AA, WITH OR WITHOUT LEFT VENTRICULAR NONCOMPACTION; CARDIOMYOPATHY, FAMILIAL HYPERTROPHIC, 23, WITH OR WITHOUT LEFT VENTRICULAR NONCOMPACTION; Cardiomyopathy, dilated, 1AA, with or without LVNC. Identifiers: Orphanet 154, MedGen C2677338, MONDO:0012808, OMIM 612158.

Submission:

Labcorp Genetics (formerly Invitae), Labcorp
Classification: Uncertain significance for Primary familial hypertrophic cardiomyopathy; Dilated cardiomyopathy 1AA. Last evaluated: 2025-04-07. Review status: criteria provided, single submitter. Criteria: Invitae Variant Classification Sherloc (09022015). Collection method: clinical testing. Allele origin: germline.
Comment: This sequence change affects a splice site in intron 14 of the ACTN2 gene. It is expected to disrupt RNA splicing. Variants that disrupt the donor or acceptor splice site typically lead to a loss of protein function (PMID: 16199547), however the current clinical and genetic evidence is not sufficient to establish whether loss-of-function variants in ACTN2 cause disease. This variant is not present in population databases (gnomAD no frequency). This variant has not been reported in the literature in individuals affected with ACTN2-related conditions. Algorithms developed to predict the effect of sequence changes on RNA splicing suggest that this variant may disrupt the consensus splice site. In summary, the available evidence is currently insufficient to determine the role of this variant in disease. Therefore, it has been classified as a Variant of Uncertain Significance.

Literature cited by the submitters: PubMed 16199547.

NM_001103.4(ACTN2):c.1657-2del

Gene: ACTN2 (actinin alpha 2; plus strand). Cytogenetic location: 1q43.
Variant type: Deletion.
Coding change: c.1657-2del on transcript NM_001103.4 (MANE Select); the canonical splice acceptor site of the intron before coding-DNA position 1657, one base deleted (A; older notation c.1657-2delA).
Molecular consequence: splice acceptor variant.
Genome position (GRCh38, 1-based): chr1:236,751,468, A deleted. VCF-style (leftmost placement, unchanged base first): chr1-236751467-TA-T. GRCh37 (hg19) VCF-style: chr1-236914767-TA-T.
Other names: c.1657-2del (NM_001278343.2).
Identifiers: ClinVar variation 4784631 (VCV004784631.1).